The following is an entry in ClinVar:

ClinVar aggregate classification (germline): Uncertain significance (1 of 4 stars; one submission).

Submission:

Ambry Genetics
Classification: Uncertain significance. Last evaluated: 2022-06-11. Review status: criteria provided, single submitter. Criteria: Ambry Variant Classification Scheme 2023. Collection method: clinical testing. Allele origin: germline.
Comment: The p.K1691E variant (also known as c.5071A>G), located in coding exon 44 of the KIF1B gene, results from an A to G substitution at nucleotide position 5071. The lysine at codon 1691 is replaced by glutamic acid, an amino acid with similar properties. This amino acid position is conserved. In addition, the in silico prediction for this alteration is inconclusive. Since supporting evidence is limited at this time, the clinical significance of this alteration remains unclear.

NM_001365951.3(KIF1B):c.5209A>G (p.Lys1737Glu)

Gene: KIF1B (kinesin family member 1B; plus strand). Cytogenetic location: 1p36.22.
Variant type: single nucleotide variant.
Coding change: c.5209A>G on transcript NM_001365951.3 (MANE Select); coding-DNA position 5209, A replaced by G.
Protein change: p.Lys1737Glu; replaces lysine 1737 with glutamic acid.
Molecular consequence: missense variant.
Genome position (GRCh38, 1-based): chr1:10,374,966, A>G. VCF-style: chr1-10374966-A-G. GRCh37 (hg19) VCF-style: chr1-10435024-A-G.
Other names: c.5209A>G, p.Lys1737Glu (NM_001365952.1); c.5071A>G, p.Lys1691Glu (NM_015074.3); short protein forms K1691E, K1737E.
Identifiers: ClinVar variation 1745158 (VCV001745158.2), dbSNP rs2521983023, ClinGen allele CA338330774.